The following is an entry in ClinVar:

NM_001197104.2(KMT2A):c.7692del (p.Ser2565fs)

Gene: KMT2A (lysine methyltransferase 2A; plus strand). Cytogenetic location: 11q23.3.
Variant type: Deletion.
Coding change: c.7692del on transcript NM_001197104.2 (MANE Select); coding-DNA position 7692, one base deleted (C; older notation c.7692delC).
Protein change: p.Ser2565fs; shifts the reading frame from serine 2565.
Molecular consequence: frameshift variant.
Genome position (GRCh38, 1-based): chr11:118,503,584, C deleted; the last of 2 consecutive C bases (chr11:118,503,583-118,503,584); deleting either gives the same sequence. VCF-style (leftmost placement, unchanged base first): chr11-118503582-GC-G. GRCh37 (hg19) VCF-style: chr11-118374297-GC-G.
Other names: c.7782del, p.Ser2595fs (NM_001412597.1); c.7683del, p.Ser2562fs (NM_005933.4); short protein forms S2562fs, S2565fs, S2595fs.
Identifiers: ClinVar variation 4814139 (VCV004814139.1).

ClinVar aggregate classification (germline): Likely pathogenic (1 of 4 stars; one submission).

Conditions:
Wiedemann-Steiner syndrome (WDSTS). Also called: Growth deficiency and mental retardation with facial dysmorphism. Identifiers: Orphanet 319182, MedGen C1854630, MONDO:0011518, OMIM 605130.

Submission:

OLLIN Analises Genomicas, OLLIN
Classification: Likely pathogenic for Wiedemann-Steiner syndrome. Last evaluated: 2025-04-14. Review status: criteria provided, single submitter. Criteria: ACMG Guidelines 2015 PMID 25741868. Collection method: clinical testing. Allele origin: germline. Affected: yes. Observed: 1 variant allele.
Comment: The frameshift variant (chr11:118503582GC>G), located in exon 27 (of 36), is not reported in the gnomAD v4.1 non-UKB or ClinVar databases, nor has it been found in the scientific literature. It promotes a change in the reading frame with subsequent introduction of a premature stop codon, resulting in a truncated protein or mRNA degradation via nonsense-mediated decay (NMD). According to currently available evidence, this variant has been classified as likely pathogenic (PVS1, PM2_P).